The following is an entry in ClinVar:

ClinVar aggregate classification (germline): Pathogenic (1 of 4 stars; one submission).

Conditions:
DICER1-related tumor predisposition. Also called: DICER1 syndrome; DICER1-related pleuropulmonary blastoma cancer predisposition syndrome. Identifiers: Orphanet 284343, MedGen C3839822, MONDO:0100216.

Submission:

Labcorp Genetics (formerly Invitae), Labcorp
Classification: Pathogenic for DICER1-related tumor predisposition. Last evaluated: 2023-02-18. Review status: criteria provided, single submitter. Criteria: Invitae Variant Classification Sherloc (09022015). Collection method: clinical testing. Allele origin: germline.
Comment: For these reasons, this variant has been classified as Pathogenic. Studies have shown that disruption of this splice site results in skipping of exon 25 and introduces a new termination codon (Invitae). However the mRNA is not expected to undergo nonsense-mediated decay. Experimental studies and prediction algorithms are not available or were not evaluated, and the functional significance of this variant is currently unknown. This variant is also known as c.5527del (p.Glu1843Lysfs*42). Disruption of this splice site has been observed in individual(s) with clinical features of DICER1 syndrome (Invitae). In at least one individual the variant was observed to be de novo. This variant is not present in population databases (gnomAD no frequency). This sequence change affects a splice site in intron 25 of the DICER1 gene. RNA analysis indicates that disruption of this splice site induces altered splicing and likely disrupts the C-terminus of the protein.

NM_177438.3(DICER1):c.5527+1del

Gene: DICER1 (dicer 1, ribonuclease III; minus strand). Cytogenetic location: 14q32.13.
Variant type: Deletion.
Coding change: c.5527+1del on transcript NM_177438.3 (MANE Select); the canonical splice donor site of the intron after coding-DNA position 5527, one base deleted (G; older notation c.5527+1delG).
Molecular consequence: splice donor variant. On other transcripts: intron variant (1).
Genome position (GRCh38, 1-based): chr14:95,091,202, C deleted on the plus strand (G on the coding strand, the reverse complement: DICER1 is on the minus strand); the first of 2 consecutive C bases (chr14:95,091,202-95,091,203); deleting either gives the same sequence. VCF-style (leftmost placement, unchanged base first): chr14-95091201-AC-A. GRCh37 (hg19) VCF-style: chr14-95557538-AC-A.
Other names: c.5527+1del (NM_001291628.2, NM_030621.4, NM_001395677.1 and 7 more transcripts); c.5122+1del (NM_001395690.1, NM_001395687.1, NM_001395689.1 and 1 more transcripts); c.5245+1del (NM_001395686.1); c.4960+1del (NM_001395691.1); c.3844+1del (NM_001395697.1); c.5365-93del (NM_001195573.1).
Identifiers: ClinVar variation 2012382 (VCV002012382.4), dbSNP rs2542403368, ClinGen allele CA2580088990.